The following is an entry in ClinVar:

ClinVar aggregate classification (germline): Pathogenic. Review status: criteria provided, multiple submitters, no conflicts (2 of 4 stars). 2 submissions from 2 submitters: Pathogenic (2). Last evaluated 2024-05-01.

Conditions:
Familial hypokalemia-hypomagnesemia (GTLMNS). Also called: gitelman syndrome; HYPOMAGNESEMIA-HYPOKALEMIA, PRIMARY RENOTUBULAR, WITH HYPOCALCIURIA; POTASSIUM AND MAGNESIUM DEPLETION. Identifiers: Orphanet 358, MedGen C0268450, MONDO:0009904, OMIM 263800.

gnomAD v4.1: 1 of 1,612,686 alleles (0.000062%); highest among the groups gnomAD compares: Non-Finnish European, 0.000085%; no homozygotes.

Submissions (2):

Natera, Inc.
Classification: Pathogenic for Gitelman syndrome. Last evaluated: 2024-05-01. Review status: criteria provided, single submitter. Criteria: Natera Variant Classification Schema (03/2026). Collection method: clinical testing. Allele origin: germline.
Comment: The c.741+2T>G variant in SLC12A3 is a canonical splice donor site variant predicted to affect pre-mRNA splicing, which may result in an abnormal transcript and altered protein product. This variant is expected to result in nonsense mediated decay, truncation, or a dysfunctional protein product. This variant is rare in the general population with a frequency below the threshold expected for the associated phenotype(s). Another variant at this same site results in an alteration predicted to cause a similar molecular effect has been observed in individual(s) with the associated phenotype. Given the available evidence, this variant is classified as Pathogenic.

Labcorp Genetics (formerly Invitae), Labcorp
Classification: Pathogenic. Last evaluated: 2022-08-12. Review status: criteria provided, single submitter. Criteria: Invitae Variant Classification Sherloc (09022015). Collection method: clinical testing. Allele origin: germline.
Comment: For these reasons, this variant has been classified as Pathogenic. Algorithms developed to predict the effect of sequence changes on RNA splicing suggest that this variant may disrupt the consensus splice site. Disruption of this splice site has been observed in individuals with Gitelman syndrome (PMID: 12772080, 18391953). This variant is not present in population databases (gnomAD no frequency). This sequence change affects a donor splice site in intron 5 of the SLC12A3 gene. It is expected to disrupt RNA splicing. Variants that disrupt the donor or acceptor splice site typically lead to a loss of protein function (PMID: 16199547), and loss-of-function variants in SLC12A3 are known to be pathogenic (PMID: 20848653, 22009145, 25841442).

Literature cited by the submitters: PubMed 12772080 (cited by Labcorp Genetics (formerly Invitae), Labcorp); PubMed 18391953 (cited by Labcorp Genetics (formerly Invitae), Labcorp); PubMed 16199547 (cited by Labcorp Genetics (formerly Invitae), Labcorp); PubMed 20848653 (cited by Labcorp Genetics (formerly Invitae), Labcorp); PubMed 22009145 (cited by Labcorp Genetics (formerly Invitae), Labcorp); PubMed 25841442 (cited by Labcorp Genetics (formerly Invitae), Labcorp).

NM_001126108.2(SLC12A3):c.741+2T>G

Gene: SLC12A3 (solute carrier family 12 member 3; plus strand). Cytogenetic location: 16q13.
Variant type: single nucleotide variant.
Coding change: c.741+2T>G on transcript NM_001126108.2 (MANE Select); the canonical splice donor site of the intron after coding-DNA position 741, T replaced by G.
Molecular consequence: splice donor variant.
Genome position (GRCh38, 1-based): chr16:56,870,237, T>G. VCF-style: chr16-56870237-T-G. GRCh37 (hg19) VCF-style: chr16-56904149-T-G.
Other names: c.741+2T>G (NM_000339.3, NM_000339.2); c.738+2T>G (NM_001126107.2, NM_001410896.1).
Identifiers: ClinVar variation 2023631 (VCV002023631.5), dbSNP rs2543482001, ClinGen allele CA395982103.
Genomic context (GRCh38, chr16:56,870,237, plus strand): 5'-CCGTGGGTGTGGCCATGCACACGGTGGGCTTTGCAGAGACCGTGCGGGACCTGCTCCAGG[T>G]GAGGCCGGGGGGCTGGACCCTGGGTAGAGGGATCCGGGCAGCCCATTGCACTCTCCTCCG-3'